The following is an entry in ClinVar:

NM_018180.3(DHX32):c.1490_1494del (p.Ala496_Ser497insTer)

Genes: BCCIP (BRCA2 and CDKN1A interacting protein; plus strand), DHX32 (DEAH-box helicase 32 (putative); minus strand). Cytogenetic location: 10q26.2.
Variant type: Deletion.
Coding change: c.1490_1494del on transcript NM_018180.3 (MANE Select); coding-DNA positions 1490 to 1494, 5 bases deleted (CCTGT; older notation c.1490_1494delCCTGT).
Protein change: p.Ala496_Ser497insTer.
Molecular consequence: nonsense. On other transcripts: 3 prime UTR variant (1), intron variant (1).
Genome position (GRCh38, 1-based): chr10:125,841,792-125,841,796, ACAGG deleted on the plus strand (CCTGT on the coding strand, the reverse complement: DHX32 is on the minus strand); deleting any 5 consecutive bases within chr10:125,841,792-125,841,798 gives the same sequence; the c. name uses the placement nearest the transcript's 3' end. VCF-style (leftmost placement, unchanged base first): chr10-125841791-CACAGG-C. GRCh37 (hg19) VCF-style: chr10-127530360-CACAGG-C.
Other names: c.*435_*439del (NM_078469.3); c.850+464_850+468del (NM_016567.4).
Identifiers: ClinVar variation 2960232 (VCV002960232.3), dbSNP rs775182055, ClinGen allele CA5739172.
Genomic context (GRCh38, chr10:125,841,791, plus strand): 5'-CATTAAGGATACCTGTTACCATGGCTGCGATTGTTAGCACTTCATCTACACAGTCAAATT[CACAGG>C]ACGCTAAGATAGACTTCGAGAGTTGTGGATCAAGAGGAAACTCTGACATGATGATTCCAA-3'

ClinVar aggregate classification (germline): Uncertain significance (1 of 4 stars; one submission).

Submission:

Labcorp Genetics (formerly Invitae), Labcorp
Classification: Uncertain significance. Last evaluated: 2025-06-01. Review status: criteria provided, single submitter. Criteria: Invitae Variant Classification Sherloc (09022015). Collection method: clinical testing. Allele origin: germline.
Comment: This sequence change creates a premature translational stop signal (p.Ser497*) in the DHX32 gene. It is expected to result in an absent or disrupted protein product. However, the current clinical and genetic evidence is not sufficient to establish whether loss-of-function variants in DHX32 cause disease. This variant is present in population databases (rs775182055, gnomAD no frequency). This variant has not been reported in the literature in individuals affected with DHX32-related conditions. ClinVar contains an entry for this variant (Variation ID: 2960232). In summary, the available evidence is currently insufficient to determine the role of this variant in disease. Therefore, it has been classified as a Variant of Uncertain Significance.